The following is an entry in ClinVar:

ClinVar aggregate classification (germline): Uncertain significance (1 of 4 stars; one submission).

Conditions:
Encephalopathy, acute, infection-induced (herpes-specific), susceptibility to, 1. Also called: Herpes simplex encephalitis, susceptibility to, 1. Identifiers: Orphanet 1930, MedGen C2750180, MONDO:0024563, OMIM 610551.

Submission:

Labcorp Genetics (formerly Invitae), Labcorp
Classification: Uncertain significance for Encephalopathy, acute, infection-induced (herpes-specific), susceptibility to, 1. Last evaluated: 2024-02-12. Review status: criteria provided, single submitter. Criteria: Invitae Variant Classification Sherloc (09022015). Collection method: clinical testing. Allele origin: germline.
Comment: This sequence change creates a premature translational stop signal (p.Glu670Glyfs*23) in the TLR3 gene. It is expected to result in an absent or disrupted protein product. However, the current clinical and genetic evidence is not sufficient to establish whether loss-of-function variants in TLR3 cause disease. This variant is not present in population databases (gnomAD no frequency). This variant has not been reported in the literature in individuals affected with TLR3-related conditions. In summary, the available evidence is currently insufficient to determine the role of this variant in disease. Therefore, it has been classified as a Variant of Uncertain Significance.

NM_003265.3(TLR3):c.2008dup (p.Glu670fs)

Gene: TLR3 (toll like receptor 3; plus strand). Cytogenetic location: 4q35.1.
Variant type: Duplication.
Coding change: c.2008dup on transcript NM_003265.3 (MANE Select); coding-DNA position 2008, one base duplicated (G; older notation c.2008dupG).
Protein change: p.Glu670fs; shifts the reading frame from glutamic acid 670.
Molecular consequence: frameshift variant.
Genome position (GRCh38, 1-based): chr4:186,083,694, G duplicated. VCF-style (leftmost placement, unchanged base first): chr4-186083693-T-TG. GRCh37 (hg19) VCF-style: chr4-187004847-T-TG.
Other names: short protein forms E670fs.
Identifiers: ClinVar variation 3640344 (VCV003640344.2).